The following is an entry in ClinVar:

NM_001257180.2(SLC20A2):c.902C>T (p.Thr301Ile)

Gene: SLC20A2 (solute carrier family 20 member 2; minus strand). Cytogenetic location: 8p11.21.
Variant type: single nucleotide variant.
Coding change: c.902C>T on transcript NM_001257180.2 (MANE Select); coding-DNA position 902, C replaced by T.
Protein change: p.Thr301Ile; replaces threonine 301 with isoleucine.
Molecular consequence: missense variant.
Genome position (GRCh38, 1-based): chr8:42,439,482, G>A on the plus strand (C>T on the coding strand, the complement: SLC20A2 is on the minus strand). VCF-style: chr8-42439482-G-A. GRCh37 (hg19) VCF-style: chr8-42297000-G-A.
Other names: c.902C>T, p.Thr301Ile (NM_001257181.2, NM_006749.5); short protein forms T301I.
Identifiers: ClinVar variation 1476006 (VCV001476006.6), dbSNP rs1414461717, ClinGen allele CA371080427.

ClinVar aggregate classification (germline): Uncertain significance (1 of 4 stars; one submission).

Allele frequency attached by ClinVar (database versions not stated): gnomAD exomes below 0.00001 and 0.00001; TOPMed below 0.00001; gnomAD 0.00001.
gnomAD v4.1: 11 of 1,613,850 alleles (0.00068%); highest among the groups gnomAD compares: South Asian, 0.0011%; no homozygotes.

Submission:

Labcorp Genetics (formerly Invitae), Labcorp
Classification: Uncertain significance. Last evaluated: 2021-10-18. Review status: criteria provided, single submitter. Criteria: Invitae Variant Classification Sherloc (09022015). Collection method: clinical testing. Allele origin: germline.
Comment: This variant is not present in population databases (ExAC no frequency). This variant has not been reported in the literature in individuals affected with SLC20A2-related conditions. Algorithms developed to predict the effect of missense changes on protein structure and function output the following: SIFT: "Tolerated"; PolyPhen-2: "Benign"; Align-GVGD: "Class C0". The isoleucine amino acid residue is found in multiple mammalian species, which suggests that this missense change does not adversely affect protein function. In summary, the available evidence is currently insufficient to determine the role of this variant in disease. Therefore, it has been classified as a Variant of Uncertain Significance. This sequence change replaces threonine with isoleucine at codon 301 of the SLC20A2 protein (p.Thr301Ile). The threonine residue is weakly conserved and there is a moderate physicochemical difference between threonine and isoleucine.